The following is an entry in ClinVar:

ClinVar aggregate classification (germline): Conflicting classifications of pathogenicity. Review status: criteria provided, conflicting classifications (1 of 4 stars). 8 submissions from 8 submitters: Uncertain significance (4); Likely benign (4). Last evaluated 2026-10-01.

Conditions:
Tuberous sclerosis syndrome (TSC). Also called: Tuberous Sclerosis Complex; Tuberous sclerosis. Identifiers: Orphanet 805, MedGen C0041341, MONDO:0001734.
Tuberous sclerosis 2 (TSC2). Identifiers: Orphanet 805, MedGen C1860707, MONDO:0013199, OMIM 613254.
Hereditary cancer-predisposing syndrome. Also called: Hereditary neoplastic syndrome; Neoplastic Syndromes, Hereditary; Hereditary Cancer Syndrome; Tumor predisposition. Identifiers: Orphanet 140162, MedGen C0027672, MeSH D009386, MONDO:0015356.

Allele frequency attached by ClinVar (database versions not stated): gnomAD 0.00001; gnomAD exomes 0.00001; ExAC 0.00002; TOPMed 0.00002; ESP Exome Variant Server 0.00008.
gnomAD v4.1: 18 of 1,611,922 alleles (0.0011%); highest among the groups gnomAD compares: Admixed American, 0.0033%; no homozygotes.

Submissions (8):

St. Jude Molecular Pathology, St. Jude Children's Research Hospital
Classification: Uncertain significance for Tuberous sclerosis 2. Last evaluated: 2026-10-01. Review status: criteria provided, single submitter. Criteria: St. Jude Assertion Criteria 2020. Collection method: clinical testing. Allele origin: germline.
Comment: The TSC2 c.733C>T p.(Arg245Cys) missense change has a maximum subpopulation frequency of 0.003% in gnomAD v2.1.1. The in silico tool REVEL predicts a deleterious effect on pr otein function, but to our knowledge this prediction has not been confirmed by functional studies. To our knowledge, this variant has not been reported as pathogenic in individuals with tuberous sclerosis complex. In summary, the evidence currently avail able is insufficient to determine the clinical significance of this variant. It has therefore been classified as of uncertain significance.

Labcorp Genetics (formerly Invitae), Labcorp
Classification: Likely benign for Tuberous sclerosis 2. Last evaluated: 2025-11-30. Review status: criteria provided, single submitter. Criteria: Invitae Variant Classification Sherloc (09022015). Collection method: clinical testing. Allele origin: germline.

All of Us Research Program, National Institutes of Health
Classification: Uncertain significance for Tuberous sclerosis syndrome. Last evaluated: 2024-09-23. Review status: criteria provided, single submitter. Criteria: ACMG Guidelines, 2015. Collection method: clinical testing. Allele origin: germline. Inheritance: Autosomal dominant inheritance. Observed: 8 variant alleles, 8 heterozygotes.
Comment: This missense variant replaces arginine with cysteine at codon 245 of the TSC2 protein. Computational prediction suggests that this variant may have deleterious impact on protein structure and function (internally defined REVEL score threshold >= 0.7, PMID: 27666373). To our knowledge, functional studies have not been reported for this variant. This variant has not been reported in individuals affected with tuberous sclerosis complex in the literature. This variant has been identified in 4/281240 chromosomes in the general population by the Genome Aggregation Database (gnomAD). The available evidence is insufficient to determine the role of this variant in disease conclusively. Therefore, this variant is classified as a Variant of Uncertain Significance.

This study involves interpretation of variants in research participants for the purpose of population health screening. Participant phenotype was not available at the time of variant classification. Additional details can be found in publication PMID: 35346344, PMCID: PMC8962531

Color Diagnostics, LLC DBA Color Health
Classification: Uncertain significance for Tuberous sclerosis syndrome. Last evaluated: 2024-06-13. Review status: criteria provided, single submitter. Criteria: ACMG Guidelines, 2015. Collection method: clinical testing. Allele origin: germline.
Comment: This missense variant replaces arginine with cysteine at codon 245 of the TSC2 protein. Computational prediction suggests that this variant may have deleterious impact on protein structure and function. To our knowledge, functional studies have not been reported for this variant. This variant has not been reported in individuals affected with tuberous sclerosis complex in the literature. This variant has been identified in 4/281240 chromosomes in the general population by the Genome Aggregation Database (gnomAD). The available evidence is insufficient to determine the role of this variant in disease conclusively. Therefore, this variant is classified as a Variant of Uncertain Significance.

Department of Pathology and Laboratory Medicine, Sinai Health System
Classification: Uncertain significance for Tuberous sclerosis 2. Last evaluated: 2023-12-18. Review status: criteria provided, single submitter. Criteria: ACMG Guidelines, 2015. Collection method: clinical testing. Allele origin: germline. Affected: yes.

Ambry Genetics
Classification: Likely benign for Hereditary cancer-predisposing syndrome. Last evaluated: 2023-07-05. Review status: criteria provided, single submitter. Criteria: Ambry Variant Classification Scheme 2023. Collection method: clinical testing. Allele origin: germline.

Genome-Nilou Lab
Classification: Likely benign for Tuberous sclerosis 2. Last evaluated: 2021-11-07. Review status: criteria provided, single submitter. Criteria: ACMG Guidelines, 2015. Collection method: clinical testing. Allele origin: germline. Affected: no.

GeneDx
Classification: Likely benign. Last evaluated: 2021-01-20. Review status: criteria provided, single submitter. Criteria: GeneDx Variant Classification Process June 2021. Collection method: clinical testing. Allele origin: germline. Affected: yes.
Comment: In silico analysis supports that this missense variant has a deleterious effect on protein structure/function; Missense variants in nearby residues reported in the Human Gene Mutation Database (Stenson et al., 2014); Has not been previously published as pathogenic or benign to our knowledge

Literature cited by the submitters: PubMed 26580448 (cited by Department of Pathology and Laboratory Medicine, Sinai Health System and Ambry Genetics).

NM_000548.5(TSC2):c.733C>T (p.Arg245Cys)

Gene: TSC2 (TSC complex subunit 2; plus strand). Cytogenetic location: 16p13.3.
Variant type: single nucleotide variant.
Coding change: c.733C>T on transcript NM_000548.5 (MANE Select); coding-DNA position 733, C replaced by T.
Protein change: p.Arg245Cys; replaces arginine 245 with cysteine.
Molecular consequence: missense variant.
Genome position (GRCh38, 1-based): chr16:2,056,728, C>T. VCF-style: chr16-2056728-C-T. GRCh37 (hg19) VCF-style: chr16-2106729-C-T.
Other names: c.733C>T, p.Arg245Cys (NM_001077183.3, NM_001114382.3, NM_001363528.2 and 3 more transcripts); c.622C>T, p.Arg208Cys (NM_001318827.2); c.586C>T, p.Arg196Cys (NM_001318829.2); c.133C>T, p.Arg45Cys (NM_001318831.2); c.766C>T, p.Arg256Cys (NM_001318832.2); short protein forms R245C, R208C, R256C, R196C, R45C.
Identifiers: ClinVar variation 405992 (VCV000405992.25), dbSNP rs375574283, ClinGen allele CA056249.